The following is an entry in ClinVar:

ClinVar aggregate classification (germline): Uncertain significance. Review status: criteria provided, multiple submitters, no conflicts (2 of 4 stars). 3 submissions from 3 submitters: Uncertain significance (3). Last evaluated 2022-04-27.

Conditions:
Charcot-Marie-Tooth disease axonal type 2C (HMSN2C). Also called: Charcot-Marie-Tooth Disease Type 2, TRPV4-Related (CMT2C); CHARCOT-MARIE-TOOTH DISEASE, AXONAL, AUTOSOMAL DOMINANT, TYPE 2C; Charcot-Marie-Tooth Neuropathy Type 2C. Identifiers: Orphanet 99937, MedGen C1853710, MONDO:0011633, OMIM 606071.

Allele frequency attached by ClinVar (database versions not stated): TOPMed below 0.00001.

Submissions (3):

Blueprint Genetics
Classification: Uncertain significance. Last evaluated: 2022-04-27. Review status: criteria provided, single submitter. Criteria: ACMG Guidelines, 2015. Collection method: clinical testing. Allele origin: germline.

Labcorp Genetics (formerly Invitae), Labcorp
Classification: Uncertain significance for Charcot-Marie-Tooth disease axonal type 2C. Last evaluated: 2022-02-07. Review status: criteria provided, single submitter. Criteria: Invitae Variant Classification Sherloc (09022015). Collection method: clinical testing. Allele origin: germline.
Comment: Algorithms developed to predict the effect of missense changes on protein structure and function are either unavailable or do not agree on the potential impact of this missense change (SIFT: "Deleterious"; PolyPhen-2: "Benign"; Align-GVGD: "Class C0"). In summary, the available evidence is currently insufficient to determine the role of this variant in disease. Therefore, it has been classified as a Variant of Uncertain Significance. This variant has not been reported in the literature in individuals affected with TRPV4-related conditions. This variant is not present in population databases (gnomAD no frequency). This sequence change replaces histidine, which is basic and polar, with tyrosine, which is neutral and polar, at codon 309 of the TRPV4 protein (p.His309Tyr).

Laboratorio de Genetica e Diagnostico Molecular, Hospital Israelita Albert Einstein
Classification: Uncertain significance. Last evaluated: 2019-07-24. Review status: criteria provided, single submitter. Criteria: ACMG Guidelines, 2015. Collection method: clinical testing. Allele origin: germline. Affected: yes.
Comment: ACMG classification criteria: PM2, PP3

NM_021625.5(TRPV4):c.925C>T (p.His309Tyr)

Gene: TRPV4 (transient receptor potential cation channel subfamily V member 4; minus strand). Cytogenetic location: 12q24.11.
Variant type: single nucleotide variant.
Coding change: c.925C>T on transcript NM_021625.5 (MANE Select); coding-DNA position 925, C replaced by T.
Protein change: p.His309Tyr; replaces histidine 309 with tyrosine.
Molecular consequence: missense variant.
Genome position (GRCh38, 1-based): chr12:109,798,841, G>A on the plus strand (C>T on the coding strand, the complement: TRPV4 is on the minus strand). VCF-style: chr12-109798841-G-A. GRCh37 (hg19) VCF-style: chr12-110236646-G-A.
Other names: c.784C>T, p.His262Tyr (NM_001177428.2, NM_001177433.2); c.823C>T, p.His275Tyr (NM_001177431.2); c.925C>T, p.His309Tyr (NM_147204.3); short protein forms H262Y, H275Y, H309Y.
Identifiers: ClinVar variation 1690665 (VCV001690665.8), dbSNP rs1184985507, ClinGen allele CA386654977.